The following is an entry in ClinVar:

ClinVar aggregate classification (germline): Conflicting classifications of pathogenicity. Review status: criteria provided, conflicting classifications (1 of 4 stars). 5 submissions from 5 submitters: Uncertain significance (1); Benign (1); Likely benign (3). Last evaluated 2026-02-20.

Conditions:
CYB5A-related disorder. Also called: CYB5A-related condition.

Allele frequency attached by ClinVar (database versions not stated): gnomAD exomes 0.00025 and 0.00075; ExAC 0.00094; gnomAD 0.00303 and 0.00321; ESP Exome Variant Server 0.00361; TOPMed 0.00366; 1000 Genomes Project 0.00639; 1000 Genomes Project 30x 0.00703.
gnomAD v4.1: 852 of 1,612,202 alleles (0.053%); highest among the groups gnomAD compares: African/African-American, 0.93%; 7 homozygotes.

Submissions (5):

PreventionGenetics, part of Exact Sciences
Classification: Likely benign for CYB5A-related condition. Last evaluated: 2026-02-20. Review status: criteria provided, single submitter. Criteria: ACMG Guidelines, 2015. Collection method: clinical testing. Allele origin: germline.
Comment: This variant is classified as likely benign based on ACMG/AMP sequence variant interpretation guidelines (Richards et al. 2015 PMID: 25741868, with internal and published modifications).

Labcorp Genetics (formerly Invitae), Labcorp
Classification: Benign. Last evaluated: 2026-01-15. Review status: criteria provided, single submitter. Criteria: Invitae Variant Classification Sherloc (09022015). Collection method: clinical testing. Allele origin: germline.

Mayo Clinic Laboratories, Mayo Clinic
Classification: Likely benign. Last evaluated: 2025-07-02. Review status: criteria provided, single submitter. Criteria: ACMG Guidelines, 2015. Collection method: clinical testing. Allele origin: germline. Observed: 1 variant allele.
Comment: BS2, BP4_moderate

Genetic Services Laboratory, University of Chicago
Classification: Likely benign. Last evaluated: 2019-07-16. Review status: criteria provided, single submitter. Criteria: ACMG Guidelines, 2015. Collection method: clinical testing. Allele origin: germline. Affected: no.

Genomic Diagnostic Laboratory, Division of Genomic Diagnostics, Children's Hospital of Philadelphia
Classification: Uncertain significance. Last evaluated: 2015-08-24. Review status: criteria provided, single submitter. Criteria: DGD Variant Analysis Guidelines. Collection method: clinical testing. Allele origin: unknown.

Literature cited by the submitters: PubMed 19997042 (cited by Mayo Clinic Laboratories, Mayo Clinic).

NM_148923.4(CYB5A):c.13T>G (p.Ser5Ala)

Genes: CYB5A (cytochrome b5 type A; minus strand), LOC132090521 (Neanderthal introgressed variant-containing enhancer experimental_50301; plus strand). Cytogenetic location: 18q22.3.
Variant type: single nucleotide variant.
Coding change: c.13T>G on transcript NM_148923.4 (MANE Select); coding-DNA position 13, T replaced by G.
Protein change: p.Ser5Ala; replaces serine 5 with alanine.
Molecular consequence: missense variant.
Genome position (GRCh38, 1-based): chr18:74,291,863, A>C on the plus strand (T>G on the coding strand, the complement: CYB5A is on the minus strand). VCF-style: chr18-74291863-A-C. GRCh37 (hg19) VCF-style: chr18-71959098-A-C.
Other names: p.Ser5Ala; c.13T>G, p.Ser5Ala (NM_001190807.3, NM_001914.4); short protein forms S5A.
Identifiers: ClinVar variation 252595 (VCV000252595.13), dbSNP rs75160992, ClinGen allele CA8998536.